The following is an entry in ClinVar:

ClinVar aggregate classification (germline): Uncertain significance. Review status: criteria provided, multiple submitters, no conflicts (2 of 4 stars). 2 submissions from 2 submitters: Uncertain significance (2). Last evaluated 2025-01-19.

Conditions:
Inborn genetic diseases. Identifiers: MedGen C0950123, MeSH D030342.

gnomAD v4.1: 7 of 1,377,626 alleles (0.00051%); highest among the groups gnomAD compares: South Asian, 0.0069%; no homozygotes.

Submissions (2):

Ambry Genetics
Classification: Uncertain significance for Inborn genetic diseases. Last evaluated: 2025-01-19. Review status: criteria provided, single submitter. Criteria: Ambry Variant Classification Scheme 2023. Collection method: clinical testing. Allele origin: germline.
Comment: The p.A10V variant (also known as c.29C>T), located in coding exon 1 of the KDM1A gene, results from a C to T substitution at nucleotide position 29. The alanine at codon 10 is replaced by valine, an amino acid with similar properties. This amino acid position is conserved. In addition, this alteration is predicted to be tolerated by in silico analysis. Based on the available evidence, the clinical significance of this variant remains unclear.

Labcorp Genetics (formerly Invitae), Labcorp
Classification: Uncertain significance. Last evaluated: 2024-10-20. Review status: criteria provided, single submitter. Criteria: Invitae Variant Classification Sherloc (09022015). Collection method: clinical testing. Allele origin: germline.
Comment: This sequence change replaces alanine, which is neutral and non-polar, with valine, which is neutral and non-polar, at codon 10 of the KDM1A protein (p.Ala10Val). The frequency data for this variant in the population databases is considered unreliable, as metrics indicate poor data quality at this position in the gnomAD database. This variant has not been reported in the literature in individuals affected with KDM1A-related conditions. An algorithm developed to predict the effect of missense changes on protein structure and function (PolyPhen-2) suggests that this variant is likely to be tolerated. In summary, the available evidence is currently insufficient to determine the role of this variant in disease. Therefore, it has been classified as a Variant of Uncertain Significance.

NM_001009999.3(KDM1A):c.29C>T (p.Ala10Val)

Gene: KDM1A (lysine demethylase 1A; plus strand). Cytogenetic location: 1p36.12.
Variant type: single nucleotide variant.
Coding change: c.29C>T on transcript NM_001009999.3 (MANE Select); coding-DNA position 29, C replaced by T.
Protein change: p.Ala10Val; replaces alanine 10 with valine.
Molecular consequence: missense variant.
Genome position (GRCh38, 1-based): chr1:23,019,625, C>T. VCF-style: chr1-23019625-C-T. GRCh37 (hg19) VCF-style: chr1-23346118-C-T.
Other names: c.29C>T (NM_001009999.2); c.29C>T, p.Ala10Val (NM_001363654.2, NM_001410762.1, NM_001410763.1 and 1 more transcripts); short protein forms A10V.
Identifiers: ClinVar variation 3679576 (VCV003679576.3).
Genomic context (GRCh38, chr1:23,019,625, plus strand): 5'-CCCTACGGCCGTCGGCGGCCCGGCGGCCCGAGATGTTATCTGGGAAGAAGGCGGCAGCCG[C>T]GGCGGCGGCGGCTGCAGCGGCAGCAACCGGGACGGAGGCTGGCCCTGGGACAGCAGGCGG-3'
Protein context (NP_001009999.1, residues 1-20): MLSGKKAAA[Ala10Val]AAAAAAAATG